The following is an entry in ClinVar:

NM_001048166.1(STIL):c.152+95A>G

Gene: STIL (STIL centriolar assembly protein; minus strand). Cytogenetic location: 1p33.
Variant type: single nucleotide variant.
Coding change: c.152+95A>G on transcript NM_001048166.1 (MANE Select); 95 bases into the intron after coding-DNA position 152, A replaced by G.
Molecular consequence: intron variant.
Genome position (GRCh38, 1-based): chr1:47,304,794, T>C on the plus strand (A>G on the coding strand, the complement: STIL is on the minus strand). VCF-style: chr1-47304794-T-C. GRCh37 (hg19) VCF-style: chr1-47770466-T-C.
Other names: c.152+95A>G (NM_003035.2, NM_001282939.1, NM_001282938.1 and 2 more transcripts).
Identifiers: ClinVar variation 672536 (VCV000672536.2), dbSNP rs3122616, ClinGen allele CA15088587.

ClinVar aggregate classification (germline): Benign. Review status: criteria provided, multiple submitters, no conflicts (2 of 4 stars). 2 submissions from 2 submitters: Benign (2). Last evaluated 2018-06-16.

Allele frequency attached by ClinVar (database versions not stated): gnomAD exomes 0.19437; gnomAD 0.21597 and 0.22110; TOPMed 0.24150; 1000 Genomes Project 30x 0.31293; 1000 Genomes Project 0.31709.

Submissions (2):

GeneDx
Classification: Benign. Last evaluated: 2018-06-16. Review status: criteria provided, single submitter. Criteria: GeneDx Variant Classification (06012015). Collection method: clinical testing. Allele origin: germline. Affected: yes.
Comment: This variant is considered likely benign or benign based on one or more of the following criteria: it is a conservative change, it occurs at a poorly conserved position in the protein, it is predicted to be benign by multiple in silico algorithms, and/or has population frequency not consistent with disease.

Breakthrough Genomics
Classification: Benign. Review status: criteria provided, single submitter. Criteria: ACMG Guidelines, 2015. Collection method: not provided. Allele origin: germline. Inheritance: Autosomal recessive inheritance. Affected: yes.